The following is an entry in ClinVar:

ClinVar aggregate classification (germline): Likely benign. Review status: criteria provided, multiple submitters, no conflicts (2 of 4 stars). 5 submissions from 5 submitters: Likely benign (4). 1 of the submissions does not count toward it. Last evaluated 2025-06-01.

Conditions:
Treacher Collins syndrome 1 (TCS1). Also called: TCOF1-Related Treacher Collins Syndrome. Identifiers: Orphanet 861, MedGen CN315775, MONDO:0007944, OMIM 154500.

Allele frequency attached by ClinVar (database versions not stated): TOPMed 0.00021; ESP Exome Variant Server 0.00023.
gnomAD v4.1: 378 of 1,613,944 alleles (0.023%); highest among the groups gnomAD compares: Middle Eastern, 0.099%; 1 homozygote.

Submissions (5):

CeGaT Center for Human Genetics Tuebingen
Classification: Likely benign. Last evaluated: 2025-06-01. Review status: criteria provided, single submitter. Criteria: CeGaT Center For Human Genetics Tuebingen Variant Classification Criteria Version 2. Collection method: clinical testing. Allele origin: germline. Affected: yes. Observed: 1 variant allele.
Comment: TCOF1: BP4, BP7

Labcorp Genetics (formerly Invitae), Labcorp
Classification: Likely benign for Treacher Collins syndrome 1. Last evaluated: 2024-12-05. Review status: criteria provided, single submitter. Criteria: Invitae Variant Classification Sherloc (09022015). Collection method: clinical testing. Allele origin: germline.

Blueprint Genetics
Classification: Likely benign. Last evaluated: 2024-10-03. Review status: criteria provided, single submitter. Criteria: ACMG Guidelines, 2015. Collection method: clinical testing. Allele origin: germline.

GeneDx
Classification: Likely benign. Last evaluated: 2020-11-20. Review status: criteria provided, single submitter. Criteria: GeneDx Variant Classification Process June 2021. Collection method: clinical testing. Allele origin: germline. Affected: yes.

Genetics Laboratories, Oxford Radcliffe Hospitals NHS Trust
Classification: Likely benign for Treacher collins syndrome 1. Review status: no assertion criteria provided. Collection method: not provided. Allele origin: somatic. Not counted in ClinVar's aggregate classification.

NM_001371623.1(TCOF1):c.3531C>T (p.Pro1177=)

Gene: TCOF1 (treacle ribosome biogenesis factor 1; plus strand). Cytogenetic location: 5q32.
Variant type: single nucleotide variant.
Coding change: c.3531C>T on transcript NM_001371623.1 (MANE Select); coding-DNA position 3531, C replaced by T.
Protein change: p.Pro1177=; no amino-acid change (proline 1177 retained).
Molecular consequence: synonymous variant.
Genome position (GRCh38, 1-based): chr5:150,392,718, C>T. VCF-style: chr5-150392718-C-T. GRCh37 (hg19) VCF-style: chr5-149772281-C-T.
Other names: c.3297C>T, p.Pro1099= (NM_000356.4); c.3528C>T, p.Pro1176= (NM_001135243.2); c.3417C>T, p.Pro1139= (NM_001135244.2); c.3300C>T, p.Pro1100= (NM_001135245.2); c.3414C>T, p.Pro1138= (NM_001195141.2).
Identifiers: ClinVar variation 209011 (VCV000209011.21), dbSNP rs149395927, ClinGen allele CA276065.